The following is an entry in ClinVar:

ClinVar aggregate classification (germline): Uncertain significance (0 of 4 stars; one submission).

Conditions:
ABCG5-related disorder. Also called: ABCG5-related condition.

gnomAD v4.1: 4 of 1,613,570 alleles (0.00025%); highest among the groups gnomAD compares: South Asian, 0.0022%; no homozygotes.

Submission:

PreventionGenetics, part of Exact Sciences
Classification: Uncertain significance for ABCG5-related condition. Last evaluated: 2024-05-31. Review status: no assertion criteria provided. Collection method: clinical testing. Allele origin: germline.
Comment: The ABCG5 c.41G>T variant is predicted to result in the amino acid substitution p.Gly14Val. To our knowledge, this variant has not been reported in the literature. This variant is reported in 0.0033% of alleles in individuals of South Asian descent in gnomAD. At this time, the clinical significance of this variant is uncertain due to the absence of conclusive functional and genetic evidence.

NM_022436.3(ABCG5):c.41G>T (p.Gly14Val)

Gene: ABCG5 (ATP binding cassette subfamily G member 5; minus strand). Cytogenetic location: 2p21.
Variant type: single nucleotide variant.
Coding change: c.41G>T on transcript NM_022436.3 (MANE Select); coding-DNA position 41, G replaced by T.
Protein change: p.Gly14Val; replaces glycine 14 with valine.
Molecular consequence: missense variant.
Genome position (GRCh38, 1-based): chr2:43,838,639, C>A on the plus strand (G>T on the coding strand, the complement: ABCG5 is on the minus strand). VCF-style: chr2-43838639-C-A. GRCh37 (hg19) VCF-style: chr2-44065778-C-A.
Other names: short protein forms G14V.
Identifiers: ClinVar variation 3346240 (VCV003346240.1).